The following is an entry in ClinVar:

NM_000264.5(PTCH1):c.1526G>T (p.Gly509Val)

Gene: PTCH1 (patched 1; minus strand). Cytogenetic location: 9q22.32.
Variant type: single nucleotide variant.
Coding change: c.1526G>T on transcript NM_000264.5 (MANE Select); coding-DNA position 1526, G replaced by T.
Protein change: p.Gly509Val; replaces glycine 509 with valine.
Molecular consequence: missense variant. On other transcripts: non-coding transcript variant (1).
Genome position (GRCh38, 1-based): chr9:95,476,835, C>A on the plus strand (G>T on the coding strand, the complement: PTCH1 is on the minus strand). VCF-style: chr9-95476835-C-A. GRCh37 (hg19) VCF-style: chr9-98239117-C-A.
Other names: c.1328G>T, p.Gly443Val (NM_001083602.3); c.1523G>T, p.Gly508Val (NM_001083603.3); c.1073G>T, p.Gly358Val (NM_001083604.3, NM_001083605.3, NM_001083606.3 and 1 more transcripts); c.1370G>T, p.Gly457Val (NM_001354918.2); c.1526G>T (NM_000264.3); short protein forms G358V, G443V, G457V, G508V, G509V.
Identifiers: ClinVar variation 1068908 (VCV001068908.11), dbSNP rs1060502268, ClinGen allele CA374118309.

ClinVar aggregate classification (germline): Pathogenic/Likely pathogenic. Review status: criteria provided, multiple submitters, no conflicts (2 of 4 stars). 3 submissions from 3 submitters: Pathogenic (2); Likely pathogenic (1). Last evaluated 2025-09-05.

Conditions:
Hereditary cancer-predisposing syndrome. Also called: Tumor predisposition; Neoplastic Syndromes, Hereditary; Hereditary neoplastic syndrome; Hereditary Cancer Syndrome. Identifiers: Orphanet 140162, MedGen C0027672, MeSH D009386, MONDO:0015356.
Basal cell nevus syndrome 1 (BCNS1). Also called: GORLIN-GOLTZ SYNDROME; MULTIPLE BASAL CELL NEVI, ODONTOGENIC KERATOCYSTS, AND SKELETAL ANOMALIES. Identifiers: MedGen CN376810, MONDO:0958174, OMIM 109400.
Gorlin syndrome. Also called: Nevoid Basal Cell Carcinoma Syndrome; Basal cell nevus syndrome. Identifiers: Orphanet 377, MedGen C0004779, MONDO:0007187.

Submissions (3):

Ambry Genetics
Classification: Pathogenic for Hereditary cancer-predisposing syndrome. Last evaluated: 2025-09-05. Review status: criteria provided, single submitter. Criteria: Ambry Variant Classification Scheme 2023. Collection method: clinical testing. Allele origin: germline.
Comment: The p.G509V variant (also known as c.1526G>T), located in coding exon 11 of the PTCH1 gene, results from a G to T substitution at nucleotide position 1526. The glycine at codon 509 is replaced by valine, an amino acid with dissimilar properties. This variant was reported in individual(s) with features consistent with PTCH1-related nevoid basal cell carcinoma syndrome (Chidambaram A et al. Cancer Res, 1996 Oct;56:4599-601; Ritter AL et al. Mol Syndromol, 2018 Jul;9:219-223; Stojanov IJ et al. Am J Surg Pathol, 2020 Apr;44:553-560; Ambry internal data). Other variant(s) at the same codon, p.G509D (c.1526G>A), have been identified in individual(s) with features consistent with PTCH1-related nevoid basal cell carcinoma syndrome (Fujii K et al. Hum. Mutat. 2003; 21:451-2, Nagao K et al. Hum. Mol. Genet. 2005; 14:3379-88, Klein RD et al. Genet. Med. 2005; 7(9):611-9, Marsh A et al. Hum. Mutat. 2005 Sep;26(3):283, Guo YY et al. PLoS ONE 2013; 8:e77305, Hong YJ et al. Bone Miner. Res. 2016 07;31(7):1413-28, Reinders MG et al. Mol Genet Genomic Med. 2018 05;6(3):409-415). This variant is considered to be rare based on population cohorts in the Genome Aggregation Database (gnomAD). This amino acid position is highly conserved in available vertebrate species. In addition, this alteration is predicted to be deleterious by in silico analysis. Based on the supporting evidence, this variant is interpreted as a disease-causing mutation.

Labcorp Genetics (formerly Invitae), Labcorp
Classification: Pathogenic for Gorlin syndrome. Last evaluated: 2025-05-21. Review status: criteria provided, single submitter. Criteria: Invitae Variant Classification Sherloc (09022015). Collection method: clinical testing. Allele origin: germline.
Comment: This sequence change replaces glycine, which is neutral and non-polar, with valine, which is neutral and non-polar, at codon 509 of the PTCH1 protein (p.Gly509Val). This variant is not present in population databases (gnomAD no frequency). This missense change has been observed in individuals with Gorlin syndrome (PMID: 8840969, 15712338). It has also been observed to segregate with disease in related individuals. ClinVar contains an entry for this variant (Variation ID: 1068908). Invitae Evidence Modeling of protein sequence and biophysical properties (such as structural, functional, and spatial information, amino acid conservation, physicochemical variation, residue mobility, and thermodynamic stability) has been performed for this missense variant. However, the output from this modeling did not meet the statistical confidence thresholds required to predict the impact of this variant on PTCH1 protein function. Experimental studies have shown that this missense change affects PTCH1 function (PMID: 12192414, 15042702, 26893459). This variant disrupts the p.Gly509 amino acid residue in PTCH1. Other variant(s) that disrupt this residue have been determined to be pathogenic (PMID: 12655573, 16088933, 16301862, 24204797). This suggests that this residue is clinically significant, and that variants that disrupt this residue are likely to be disease-causing. For these reasons, this variant has been classified as Pathogenic.

3billion
Classification: Likely pathogenic for Basal cell nevus syndrome 1. Last evaluated: 2024-08-12. Review status: criteria provided, single submitter. Criteria: ACMG Guidelines, 2015. Collection method: clinical testing. Allele origin: germline. Affected: yes.
Comment: The variant is not observed in the gnomAD v4.0.0 dataset. Predicted Consequence/Location: Missense variant In silico tool predictions suggest damaging effect of the variant on gene or gene product [REVEL: 0.92 (>=0.6, sensitivity 0.68 and specificity 0.92); 3Cnet: 0.99 (>=0.6, sensitivity 0.72 and precision 0.9)]. The same nucleotide change resulting in the same amino acid change has been previously reported to be associated with PTCH1 related disorder (ClinVar ID: VCV001068908 /PMID: 8840969). Different missense changes at the same codon (p.Gly509Arg, p.Gly509Asp) have been reported as pathogenic/likely pathogenic with strong evidence (ClinVar ID: VCV000409140, VCV001072733 /PMID: 12655573, 8840969). Therefore, this variant is classified as Likely pathogenic according to the recommendation of ACMG/AMP guideline.

Literature cited by the submitters: PubMed 30140199 (cited by Ambry Genetics); PubMed 31725470 (cited by Ambry Genetics); PubMed 8840969 (cited by 3 submitters); PubMed 15712338 (cited by Labcorp Genetics (formerly Invitae), Labcorp); PubMed 12192414 (cited by Labcorp Genetics (formerly Invitae), Labcorp); PubMed 15042702 (cited by Labcorp Genetics (formerly Invitae), Labcorp); PubMed 26893459 (cited by Labcorp Genetics (formerly Invitae), Labcorp); PubMed 12655573 (cited by Labcorp Genetics (formerly Invitae), Labcorp and 3billion); PubMed 16088933 (cited by Labcorp Genetics (formerly Invitae), Labcorp); PubMed 16301862 (cited by Labcorp Genetics (formerly Invitae), Labcorp); PubMed 24204797 (cited by Labcorp Genetics (formerly Invitae), Labcorp).